The following is an entry in ClinVar:

NM_001267550.2(TTN):c.24471C>T (p.Gly8157=)

Gene: TTN (titin; minus strand). Cytogenetic location: 2q31.2.
Variant type: single nucleotide variant.
Coding change: c.24471C>T on transcript NM_001267550.2 (MANE Select); coding-DNA position 24471, C replaced by T.
Protein change: p.Gly8157=; no amino-acid change (glycine 8157 retained).
Molecular consequence: synonymous variant. On other transcripts: intron variant (3).
Genome position (GRCh38, 1-based): chr2:178,718,729, G>A on the plus strand (C>T on the coding strand, the complement: TTN is on the minus strand). VCF-style: chr2-178718729-G-A. GRCh37 (hg19) VCF-style: chr2-179583456-G-A.
Other names: p.G7840G:GGC>GGT; c.23520C>T, p.Gly7840= (NM_001256850.1); c.20739C>T, p.Gly6913= (NM_133378.4); c.13282+19353C>T (NM_003319.4); c.13858+19353C>T (NM_133437.4); c.13657+19353C>T (NM_133432.3).
Identifiers: ClinVar variation 46733 (VCV000046733.41), dbSNP rs113391261, ClinGen allele CA282887.
Genomic context (GRCh38, chr2:178,718,729, plus strand): 5'-TGTATATATTGGGGGAAAGAGCAAACCTTTCACAAAAAGATGTGTGGTACAGGAAGCACT[G>A]CCAGCATCATTTGTAACGAGGCAAGAATAGTCTCCACTTTCTAATGGCTGCACCTCAAAC-3'
Protein context (NP_001254479.2, residues 8147-8167): DYSCLVTNDA[Gly8157=]SASCTTHLFV

ClinVar aggregate classification (germline): Benign/Likely benign. Review status: criteria provided, multiple submitters, no conflicts (2 of 4 stars). 23 submissions from 16 submitters: Benign (15); Likely benign (5). 3 of the submissions do not count toward it. Last evaluated 2026-02-03.

Conditions:
Cardiovascular phenotype. Identifiers: MedGen CN230736.
TTN-related disorder. Also called: TTN-related disorders; TTN-related condition; TTN-related disease.
Dilated cardiomyopathy 1G (CMD1G). Identifiers: Orphanet 154, MedGen C1858763, MONDO:0011400, OMIM 604145.
Autosomal recessive limb-girdle muscular dystrophy type 2J (LGMDR10). Also called: MUSCULAR DYSTROPHY, LIMB-GIRDLE, AUTOSOMAL RECESSIVE 10; Limb-girdle muscular dystrophy, type 2J. Identifiers: Orphanet 140922, MedGen C1837342, MONDO:0012127, OMIM 608807.
Cardiomyopathy (CMYO). Also called: Cardiomyopathies. Identifiers: Orphanet 167848, MedGen C0878544, MONDO:0004994, HP:0001638. Inheritance: Various modes of inheritance.
Early-onset myopathy with fatal cardiomyopathy (CMYO5). Also called: CONGENITAL MYOPATHY 5 WITH CARDIOMYOPATHY; Salih Myopathy. Identifiers: Orphanet 289377, MedGen C2673677, MONDO:0012714, OMIM 611705. Disease mechanism: loss of function.
Myopathy, myofibrillar, 9, with early respiratory failure (MFM9). Also called: Myopathy, distal, with early respiratory failure, autosomal dominant; Hereditary myopathy with early respiratory failure; MYOPATHY, PROXIMAL, WITH EARLY RESPIRATORY MUSCLE INVOLVEMENT; EDSTROM MYOPATHY. Identifiers: Orphanet 178464, Orphanet 34521, MedGen C1863599, MONDO:0011362, OMIM 603689.
Tibial muscular dystrophy (TMD). Also called: Udd Distal Myopathy – Tibial Muscular Dystrophy; Tibial muscular dystrophy, tardive; UDD MYOPATHY. Identifiers: Orphanet 609, MedGen C1838244, MONDO:0010870, OMIM 600334.

Allele frequency attached by ClinVar (database versions not stated): gnomAD exomes 0.00049 and 0.00115; ExAC 0.00141; 1000 Genomes Project 0.00499; gnomAD 0.00559 and 0.00515; 1000 Genomes Project 30x 0.00500; ESP Exome Variant Server 0.00555; TOPMed 0.00582.
gnomAD v4.1: 1,544 of 1,613,744 alleles (0.096%); highest among the groups gnomAD compares: African/African-American, 1.8%; 21 homozygotes.

Submissions (23):

Labcorp Genetics (formerly Invitae), Labcorp
Classification: Benign for Dilated cardiomyopathy 1G; Autosomal recessive limb-girdle muscular dystrophy type 2J. Last evaluated: 2026-02-03. Review status: criteria provided, single submitter. Criteria: Invitae Variant Classification Sherloc (09022015). Collection method: clinical testing. Allele origin: germline.

Molecular Diagnostic Laboratory for Inherited Cardiovascular Disease, Montreal Heart Institute
Classification: Benign. Last evaluated: 2025-04-09. Review status: criteria provided, single submitter. Criteria: ACMG Guidelines, 2015. Collection method: clinical testing. Allele origin: germline. Affected: no.

ARUP Laboratories, Molecular Genetics and Genomics, ARUP Laboratories
Classification: Benign. Last evaluated: 2024-12-12. Review status: criteria provided, single submitter. Criteria: ARUP Molecular Germline Variant Investigation Process 2024. Collection method: clinical testing. Allele origin: germline.

Blueprint Genetics
Classification: Likely benign. Last evaluated: 2024-11-26. Review status: criteria provided, single submitter. Criteria: ACMG Guidelines, 2015. Collection method: clinical testing. Allele origin: germline.

Athena Diagnostics
Classification: Benign. Last evaluated: 2023-10-17. Review status: criteria provided, single submitter. Criteria: Athena Diagnostics Criteria. Collection method: clinical testing. Allele origin: unknown.

Genome-Nilou Lab
Classification: Benign for Autosomal recessive limb-girdle muscular dystrophy type 2J. Last evaluated: 2021-09-10. Review status: criteria provided, single submitter. Criteria: ACMG Guidelines, 2015. Collection method: clinical testing. Allele origin: germline. Affected: no.

Genome-Nilou Lab
Classification: Benign for Myopathy, myofibrillar, 9, with early respiratory failure. Last evaluated: 2021-09-10. Review status: criteria provided, single submitter. Criteria: ACMG Guidelines, 2015. Collection method: clinical testing. Allele origin: germline. Affected: no.

Genome-Nilou Lab
Classification: Benign for Early-onset myopathy with fatal cardiomyopathy. Last evaluated: 2021-09-10. Review status: criteria provided, single submitter. Criteria: ACMG Guidelines, 2015. Collection method: clinical testing. Allele origin: germline. Affected: no.

Genome-Nilou Lab
Classification: Benign for Tibial muscular dystrophy. Last evaluated: 2021-09-10. Review status: criteria provided, single submitter. Criteria: ACMG Guidelines, 2015. Collection method: clinical testing. Allele origin: germline. Affected: no.

Women's Health and Genetics/Laboratory Corporation of America, LabCorp
Classification: Benign. Last evaluated: 2019-10-30. Review status: criteria provided, single submitter. Criteria: LabCorp Variant Classification Summary - May 2015. Collection method: clinical testing. Allele origin: germline.
Comment: Variant summary: TTN c.20739C>T results in a synonymous change. The variant allele was found at a frequency of 0.0012 in 248532 control chromosomes in the gnomAD database, including 1 homozygotes. The observed variant frequency is approximately 1.85 fold of the estimated maximal expected allele frequency for a pathogenic variant in TTN causing Cardiomyopathy phenotype (0.00063), strongly suggesting that the variant is benign. Four clinical diagnostic laboratories have submitted clinical-significance assessments for this variant to ClinVar after 2014 without evidence for independent evaluation (3x benign, 1x VUS). Based on the evidence outlined above, the variant was classified as benign.

Illumina Laboratory Services, Illumina
Classification: Likely benign for Early-onset myopathy with fatal cardiomyopathy. Last evaluated: 2018-01-13. Review status: criteria provided, single submitter. Criteria: ICSL Variant Classification Criteria 13 December 2019. Collection method: clinical testing. Allele origin: germline.
Comment: This variant was observed in the ICSL laboratory as part of a predisposition screen in an ostensibly healthy population. It had not been previously curated by ICSL or reported in the Human Gene Mutation Database (HGMD: prior to June 1st, 2018), and was therefore a candidate for classification through an automated scoring system. Utilizing variant allele frequency, disease prevalence and penetrance estimates, and inheritance mode, an automated score was calculated to assess if this variant is too frequent to cause the disease. Based on the score and internal cut-off values, a variant classified as likely benign is not then subjected to further curation. The score for this variant resulted in a classification of likely benign for this disease.

Illumina Laboratory Services, Illumina
Classification: Likely benign for Dilated cardiomyopathy 1G. Last evaluated: 2018-01-13. Review status: criteria provided, single submitter. Criteria: ICSL Variant Classification Criteria 13 December 2019. Collection method: clinical testing. Allele origin: germline.
Comment: the same text as in the submission from Illumina Laboratory Services, Illumina above.

Illumina Laboratory Services, Illumina
Classification: Likely benign for Autosomal recessive limb-girdle muscular dystrophy type 2J. Last evaluated: 2018-01-13. Review status: criteria provided, single submitter. Criteria: ICSL Variant Classification Criteria 13 December 2019. Collection method: clinical testing. Allele origin: germline.
Comment: the same text as in the submission from Illumina Laboratory Services, Illumina above.

Illumina Laboratory Services, Illumina
Classification: Benign for Myopathy, myofibrillar, 9, with early respiratory failure. Last evaluated: 2018-01-13. Review status: criteria provided, single submitter. Criteria: ICSL Variant Classification Criteria 13 December 2019. Collection method: clinical testing. Allele origin: germline.
Comment: This variant was observed in the ICSL laboratory as part of a predisposition screen in an ostensibly healthy population. It had not been previously curated by ICSL or reported in the Human Gene Mutation Database (HGMD: prior to June 1st, 2018), and was therefore a candidate for classification through an automated scoring system. Utilizing variant allele frequency, disease prevalence and penetrance estimates, and inheritance mode, an automated score was calculated to assess if this variant is too frequent to cause the disease. Based on the score and internal cut-off values, a variant classified as benign is not then subjected to further curation. The score for this variant resulted in a classification of benign for this disease.

Illumina Laboratory Services, Illumina
Classification: Benign for Tibial muscular dystrophy. Last evaluated: 2018-01-13. Review status: criteria provided, single submitter. Criteria: ICSL Variant Classification Criteria 13 December 2019. Collection method: clinical testing. Allele origin: germline.
Comment: the same text as in the submission from Illumina Laboratory Services, Illumina above.

CHEO Genetics Diagnostic Laboratory, Children's Hospital of Eastern Ontario
Classification: Benign for Cardiomyopathy. Last evaluated: 2016-03-09. Review status: criteria provided, single submitter. Criteria: ACMG Guidelines, 2015. Collection method: clinical testing. Allele origin: germline. Study: Canadian Open Genetics Repository.

GeneDx
Classification: Benign. Last evaluated: 2014-03-28. Review status: criteria provided, single submitter. Criteria: GeneDx Variant Classification (06012015). Collection method: clinical testing. Allele origin: germline. Affected: yes.
Comment: This variant is considered likely benign or benign based on one or more of the following criteria: it is a conservative change, it occurs at a poorly conserved position in the protein, it is predicted to be benign by multiple in silico algorithms, and/or has population frequency not consistent with disease.

Ambry Genetics
Classification: Benign for Cardiovascular phenotype. Last evaluated: 2013-01-24. Review status: criteria provided, single submitter. Criteria: Ambry Autosomal Dominant and X-Linked criteria (10/2015). Collection method: clinical testing. Allele origin: germline. Observed: 1 variant allele.

Laboratory for Molecular Medicine, Mass General Brigham Personalized Medicine
Classification: Benign. Last evaluated: 2012-03-02. Review status: criteria provided, single submitter. Criteria: LMM Criteria. Collection method: clinical testing. Allele origin: germline. Observed: 16 variant alleles.
Comment: Gly6913Gly in exon 81 of TTN: This variant is not expected to have clinical sign ificance because it has been identified in 1.6% (53/3246) of African American ch romosomes from a broad population by the NHLBI Exome Sequencing Project (dbSNP rs113391261).

Breakthrough Genomics
Classification: Likely benign. Review status: criteria provided, single submitter. Criteria: ACMG Guidelines, 2015. Collection method: not provided. Allele origin: germline. Inheritance: Autosomal recessive inheritance. Affected: yes.

PreventionGenetics, part of Exact Sciences
Classification: Benign for TTN-related condition. Last evaluated: 2019-05-29. Review status: no assertion criteria provided. Collection method: clinical testing. Allele origin: germline. Not counted in ClinVar's aggregate classification.
Comment: This variant is classified as benign based on ACMG/AMP sequence variant interpretation guidelines (Richards et al. 2015 PMID: 25741868, with internal and published modifications).

Clinical Genetics DNA and cytogenetics Diagnostics Lab, Erasmus MC, Erasmus Medical Center
Classification: Benign. Review status: no assertion criteria provided. Collection method: clinical testing. Allele origin: germline. Affected: yes. Study: VKGL Data-share Consensus. Not counted in ClinVar's aggregate classification.

Clinical Genetics, Academic Medical Center
Classification: Benign. Review status: no assertion criteria provided. Collection method: clinical testing. Allele origin: germline. Affected: yes. Study: VKGL Data-share Consensus. Not counted in ClinVar's aggregate classification.